The following is an entry in ClinVar:

NM_003072.5(SMARCA4):c.452G>T (p.Gly151Val)

Gene: SMARCA4 (SWI/SNF related BAF chromatin remodeling complex subunit ATPase 4; plus strand). Cytogenetic location: 19p13.2.
Variant type: single nucleotide variant.
Coding change: c.452G>T on transcript NM_003072.5 (MANE Select); coding-DNA position 452, G replaced by T.
Protein change: p.Gly151Val; replaces glycine 151 with valine.
Molecular consequence: missense variant. On other transcripts: non-coding transcript variant (1).
Genome position (GRCh38, 1-based): chr19:10,986,285, G>T. VCF-style: chr19-10986285-G-T. GRCh37 (hg19) VCF-style: chr19-11096961-G-T.
Other names: c.452G>T, p.Gly151Val (NM_001128844.3, NM_001128845.2, NM_001128846.2 and 5 more transcripts); short protein forms G151V.
Identifiers: ClinVar variation 220774 (VCV000220774.13), dbSNP rs755746907, ClinGen allele CA349808.

ClinVar aggregate classification (germline): Uncertain significance. Review status: criteria provided, multiple submitters, no conflicts (2 of 4 stars). 2 submissions from 2 submitters: Uncertain significance (2). Last evaluated 2024-08-29.

Conditions:
Hereditary cancer-predisposing syndrome. Also called: Hereditary neoplastic syndrome; Tumor predisposition; Hereditary Cancer Syndrome; Neoplastic Syndromes, Hereditary. Identifiers: Orphanet 140162, MedGen C0027672, MeSH D009386, MONDO:0015356.
Rhabdoid tumor predisposition syndrome 2 (RTPS2). Identifiers: Orphanet 231108, Orphanet 69077, MedGen C2750074, MONDO:0013224, OMIM 613325.

Allele frequency attached by ClinVar (database versions not stated): ExAC 0.00001.
gnomAD v4.1: 2 of 1,613,824 alleles (0.00012%); highest among the groups gnomAD compares: Non-Finnish European, 0.00017%; no homozygotes.

Submissions (2):

Labcorp Genetics (formerly Invitae), Labcorp
Classification: Uncertain significance for Rhabdoid tumor predisposition syndrome 2. Last evaluated: 2024-08-29. Review status: criteria provided, single submitter. Criteria: Invitae Variant Classification Sherloc (09022015). Collection method: clinical testing. Allele origin: germline.
Comment: This sequence change replaces glycine, which is neutral and non-polar, with valine, which is neutral and non-polar, at codon 151 of the SMARCA4 protein (p.Gly151Val). This variant is not present in population databases (gnomAD no frequency). This variant has not been reported in the literature in individuals affected with SMARCA4-related conditions. ClinVar contains an entry for this variant (Variation ID: 220774). Invitae Evidence Modeling of protein sequence and biophysical properties (such as structural, functional, and spatial information, amino acid conservation, physicochemical variation, residue mobility, and thermodynamic stability) indicates that this missense variant is not expected to disrupt SMARCA4 protein function with a negative predictive value of 95%. In summary, the available evidence is currently insufficient to determine the role of this variant in disease. Therefore, it has been classified as a Variant of Uncertain Significance.

Ambry Genetics
Classification: Uncertain significance for Hereditary cancer-predisposing syndrome. Last evaluated: 2022-08-22. Review status: criteria provided, single submitter. Criteria: Ambry Variant Classification Scheme 2023. Collection method: clinical testing. Allele origin: germline.
Comment: The p.G151V variant (also known as c.452G>T), located in coding exon 3 of the SMARCA4 gene, results from a G to T substitution at nucleotide position 452. The glycine at codon 151 is replaced by valine, an amino acid with dissimilar properties. This amino acid position is not well conserved in available vertebrate species. In addition, this alteration is predicted to be tolerated by in silico analysis. Missense and in-frame variants in SMARCA4 are known to cause neurodevelopmental disorders; however, such associations with rhabdoid tumor predisposition syndrome including small cell carcinoma of the ovary-hypercalcemic type (SCCOHT) are exceedingly rare (Kosho T et al. Am J Med Genet C Semin Med Genet. 2014 Sep;166C(3):262-75; Jelinic P et al. Nat Genet. 2014 May;46(5):424-6). Based on the supporting evidence, the association of this alteration with Coffin-Siris syndrome is unknown; however, the association of this alteration with rhabdoid tumor predisposition syndrome is unlikely.